The following is an entry in ClinVar:

ClinVar aggregate classification (germline): Uncertain significance (1 of 4 stars; one submission).

Conditions:
Familial hemophagocytic lymphohistiocytosis 4 (FHL4). Also called: STX11-Related Familial Hemophagocytic Lymphohistiocytosis (STX11-fHLH). Identifiers: Orphanet 540, MedGen C1863728, MONDO:0011336, OMIM 603552.

Allele frequency attached by ClinVar (database versions not stated): ExAC 0.00001; gnomAD exomes 0.00001 and 0.00002; TOPMed 0.00003.

Submission:

Labcorp Genetics (formerly Invitae), Labcorp
Classification: Uncertain significance for Familial hemophagocytic lymphohistiocytosis 4. Last evaluated: 2024-12-09. Review status: criteria provided, single submitter. Criteria: Invitae Variant Classification Sherloc (09022015). Collection method: clinical testing. Allele origin: germline.
Comment: This sequence change replaces alanine, which is neutral and non-polar, with valine, which is neutral and non-polar, at codon 60 of the STX11 protein (p.Ala60Val). This variant is present in population databases (rs779751917, gnomAD 0.009%). This variant has not been reported in the literature in individuals affected with STX11-related conditions. ClinVar contains an entry for this variant (Variation ID: 1055527). Invitae Evidence Modeling of protein sequence and biophysical properties (such as structural, functional, and spatial information, amino acid conservation, physicochemical variation, residue mobility, and thermodynamic stability) indicates that this missense variant is not expected to disrupt STX11 protein function with a negative predictive value of 80%. In summary, the available evidence is currently insufficient to determine the role of this variant in disease. Therefore, it has been classified as a Variant of Uncertain Significance.

NM_003764.4(STX11):c.179C>T (p.Ala60Val)

Gene: STX11 (syntaxin 11; plus strand). Cytogenetic location: 6q24.2.
Variant type: single nucleotide variant.
Coding change: c.179C>T on transcript NM_003764.4 (MANE Select); coding-DNA position 179, C replaced by T.
Protein change: p.Ala60Val; replaces alanine 60 with valine.
Molecular consequence: missense variant.
Genome position (GRCh38, 1-based): chr6:144,186,806, C>T. VCF-style: chr6-144186806-C-T. GRCh37 (hg19) VCF-style: chr6-144507943-C-T.
Other names: short protein forms A60V.
Identifiers: ClinVar variation 1055527 (VCV001055527.7), dbSNP rs779751917, ClinGen allele CA4031643.
Genomic context (GRCh38, chr6:144,186,806, plus strand): 5'-TCCTGGAGTCCCTGTACCGAGACATCCGGGACATTCAGGATGAAAACCAGCTGCTGGTGG[C>T]CGACGTGAAGCGGCTGGGAAAGCAGAACGCCCGCTTCCTCACGTCCATGCGGCGCCTCAG-3'
Protein context (NP_003755.2, residues 50-70): DIQDENQLLV[Ala60Val]DVKRLGKQNA